The following is an entry in ClinVar:

NM_212482.4(FN1):c.790G>A (p.Gly264Ser)

Gene: FN1 (fibronectin 1; minus strand). Cytogenetic location: 2q35.
Variant type: single nucleotide variant.
Coding change: c.790G>A on transcript NM_212482.4 (MANE Select); coding-DNA position 790, G replaced by A.
Protein change: p.Gly264Ser; replaces glycine 264 with serine.
Molecular consequence: missense variant.
Genome position (GRCh38, 1-based): chr2:215,428,234, C>T on the plus strand (G>A on the coding strand, the complement: FN1 is on the minus strand). VCF-style: chr2-215428234-C-T. GRCh37 (hg19) VCF-style: chr2-216292957-C-T.
Other names: c.790G>A, p.Gly264Ser (NM_001306129.2, NM_001306130.2, NM_001306131.2 and 14 more transcripts); short protein forms G264S.
Identifiers: ClinVar variation 1433077 (VCV001433077.10), dbSNP rs950443871, ClinGen allele CA64834213.

ClinVar aggregate classification (germline): Uncertain significance. Review status: criteria provided, multiple submitters, no conflicts (2 of 4 stars). 3 submissions from 3 submitters: Uncertain significance (3). Last evaluated 2023-10-11.

Conditions:
Spondylometaphyseal dysplasia - Sutcliffe type. Also called: Spondylometaphyseal dysplasia, 'corner fracture' type; Spondylometaphyseal Dysplasia, Corner Fracture Type; Sutcliffe type of spondylometaphyseal dysplasia; Sutcliffe SMD. Identifiers: Orphanet 93315, MedGen C0432221, MONDO:0008479, OMIM 184255.
Glomerulopathy with fibronectin deposits 2 (GFND2). Identifiers: Orphanet 84090, MedGen C1866075, MONDO:0011165, OMIM 601894.

Allele frequency attached by ClinVar (database versions not stated): gnomAD exomes 0.00001; gnomAD 0.00002 and 0.00003; TOPMed 0.00002.
gnomAD v4.1: 25 of 1,614,246 alleles (0.0015%); highest among the groups gnomAD compares: African/African-American, 0.0027%; no homozygotes.

Submissions (3):

Blueprint Genetics
Classification: Uncertain significance. Last evaluated: 2023-10-11. Review status: criteria provided, single submitter. Criteria: ACMG Guidelines, 2015. Collection method: clinical testing. Allele origin: germline.

Labcorp Genetics (formerly Invitae), Labcorp
Classification: Uncertain significance. Last evaluated: 2022-03-03. Review status: criteria provided, single submitter. Criteria: Invitae Variant Classification Sherloc (09022015). Collection method: clinical testing. Allele origin: germline.
Comment: Algorithms developed to predict the effect of missense changes on protein structure and function are either unavailable or do not agree on the potential impact of this missense change (SIFT: "Not Available"; PolyPhen-2: "Probably Damaging"; Align-GVGD: "Not Available"). In summary, the available evidence is currently insufficient to determine the role of this variant in disease. Therefore, it has been classified as a Variant of Uncertain Significance. This variant has not been reported in the literature in individuals affected with FN1-related conditions. This variant is not present in population databases (gnomAD no frequency). This sequence change replaces glycine, which is neutral and non-polar, with serine, which is neutral and polar, at codon 264 of the FN1 protein (p.Gly264Ser).

Fulgent Genetics
Classification: Uncertain significance for Spondylometaphyseal dysplasia - Sutcliffe type; Glomerulopathy with fibronectin deposits 2. Last evaluated: 2021-07-19. Review status: criteria provided, single submitter. Criteria: ACMG Guidelines, 2015. Collection method: clinical testing. Allele origin: unknown.